The following is an entry in ClinVar:

NM_000245.4(MET):c.2986G>T (p.Val996Phe)

Gene: MET (MET proto-oncogene, receptor tyrosine kinase; plus strand). Cytogenetic location: 7q31.2.
Variant type: single nucleotide variant.
Coding change: c.2986G>T on transcript NM_000245.4 (MANE Select); coding-DNA position 2986, G replaced by T.
Protein change: p.Val996Phe; replaces valine 996 with phenylalanine.
Molecular consequence: missense variant.
Genome position (GRCh38, 1-based): chr7:116,771,947, G>T. VCF-style: chr7-116771947-G-T. GRCh37 (hg19) VCF-style: chr7-116412001-G-T.
Other names: c.3040G>T, p.Val1014Phe (NM_001127500.3); c.1696G>T, p.Val566Phe (NM_001324402.2); short protein forms V1014F, V566F, V996F.
Identifiers: ClinVar variation 5024397 (VCV005024397.1).

ClinVar aggregate classification (germline): Uncertain significance (1 of 4 stars; one submission).

Conditions:
Hereditary cancer-predisposing syndrome. Also called: Neoplastic Syndromes, Hereditary; Tumor predisposition; Hereditary neoplastic syndrome; Hereditary Cancer Syndrome. Identifiers: Orphanet 140162, MedGen C0027672, MeSH D009386, MONDO:0015356.

Submission:

Ambry Genetics
Classification: Uncertain significance for Hereditary cancer-predisposing syndrome. Last evaluated: 2026-07-07. Review status: criteria provided, single submitter. Criteria: Ambry Variant Classification Scheme 2023. Collection method: clinical testing. Allele origin: germline.
Comment: The p.V996F variant (also known as c.2986G>T), located in coding exon 13 of the MET gene, results from a G to T substitution at nucleotide position 2986. The valine at codon 996 is replaced by phenylalanine, an amino acid with highly similar properties. This amino acid position is conserved. In addition, this alteration is predicted to be deleterious by in silico analysis. Based on the available evidence, the clinical significance of this variant remains unclear.